The following is an entry in ClinVar:

ClinVar aggregate classification (germline): Pathogenic/Likely pathogenic. Review status: criteria provided, multiple submitters, no conflicts (2 of 4 stars). 3 submissions from 3 submitters: Pathogenic (1); Likely pathogenic (1). 1 of the submissions does not count toward it. Last evaluated 2024-08-17.

Conditions:
Autosomal recessive limb-girdle muscular dystrophy type 2C (LGMDR5). Also called: MUSCULAR DYSTROPHY, DUCHENNE-LIKE; MUSCULAR DYSTROPHY, LIMB-GIRDLE, AUTOSOMAL RECESSIVE 5. Identifiers: Orphanet 353, MedGen C0410173, MONDO:0009677, OMIM 253700. Disease mechanism: Affects gamma-sarcoglycan and also disrupts the integrity of the entire sarcoglycan complex..

Allele frequency attached by ClinVar (database versions not stated): gnomAD exomes below 0.00001; TOPMed below 0.00001.

Submissions (3):

Natera, Inc.
Classification: Likely pathogenic for Limb-girdle muscular dystrophy type 2C. Last evaluated: 2024-08-17. Review status: criteria provided, single submitter. Criteria: Natera Variant Classification Schema (03/2026). Collection method: clinical testing. Allele origin: germline.
Comment: The c.768delC variant in SGCG is a frameshift variant predicted to shift the reading frame beginning at codon 257 and leads to a stop codon 23 codons downstream. This variant is expected to result in nonsense mediated decay, truncation, or a dysfunctional protein product. This variant is rare in the general population with a frequency below the threshold expected for the associated phenotype(s). This variant has been observed in one or more individuals affected with the associated recessive disease, as either homozygous or compound heterozygous with a second variant (PMID: 30107846). Given the available evidence, this variant is classified as Likely Pathogenic.

Labcorp Genetics (formerly Invitae), Labcorp
Classification: Pathogenic for Autosomal recessive limb-girdle muscular dystrophy type 2C. Last evaluated: 2023-05-01. Review status: criteria provided, single submitter. Criteria: Invitae Variant Classification Sherloc (09022015). Collection method: clinical testing. Allele origin: germline.
Comment: For these reasons, this variant has been classified as Pathogenic. This variant disrupts a region of the SGCG protein in which other variant(s) (p.Cys283Tyr) have been determined to be pathogenic (PMID: 10447257, 15322984, 22095924). This suggests that this is a clinically significant region of the protein, and that variants that disrupt it are likely to be disease-causing. ClinVar contains an entry for this variant (Variation ID: 555584). This premature translational stop signal has been observed in individual(s) with limb-girdle muscular dystrophy (PMID: 30107846). This variant is present in population databases (no rsID available, gnomAD 0.006%). This sequence change creates a premature translational stop signal (p.Ser257Alafs*23) in the SGCG gene. While this is not anticipated to result in nonsense mediated decay, it is expected to disrupt the last 35 amino acid(s) of the SGCG protein.

Counsyl
Classification: Likely pathogenic for Autosomal recessive limb-girdle muscular dystrophy type 2C. Last evaluated: 2017-12-20. Review status: no assertion criteria provided. Collection method: clinical testing. Allele origin: unknown. Not counted in ClinVar's aggregate classification.

Literature cited by the submitters: PubMed 30107846 (cited by Natera, Inc. and Labcorp Genetics (formerly Invitae), Labcorp); PubMed 10447257 (cited by Labcorp Genetics (formerly Invitae), Labcorp); PubMed 15322984 (cited by Labcorp Genetics (formerly Invitae), Labcorp); PubMed 22095924 (cited by Labcorp Genetics (formerly Invitae), Labcorp).

NM_000231.3(SGCG):c.768del (p.Ser257fs)

Gene: SGCG (sarcoglycan gamma; plus strand). Cytogenetic location: 13q12.12.
Variant type: Deletion.
Coding change: c.768del on transcript NM_000231.3 (MANE Select); coding-DNA position 768, one base deleted (C; older notation c.768delC).
Protein change: p.Ser257fs; shifts the reading frame from serine 257.
Molecular consequence: frameshift variant.
Genome position (GRCh38, 1-based): chr13:23,324,433, C deleted. VCF-style (leftmost placement, unchanged base first): chr13-23324432-GC-G. GRCh37 (hg19) VCF-style: chr13-23898571-GC-G.
Other names: c.822del, p.Ser275fs (NM_001378244.1); c.768del, p.Ser257fs (NM_001378245.1, NM_001378246.1); c.768delC (NM_000231.2); short protein forms S257fs, S275fs.
Identifiers: ClinVar variation 555584 (VCV000555584.8), dbSNP rs1199421806, ClinGen allele CA608985313.